The following is an entry in ClinVar:

ClinVar aggregate classification (germline): Uncertain significance (1 of 4 stars; one submission).

Allele frequency attached by ClinVar (database versions not stated): ExAC 0.00001.

Submission:

Labcorp Genetics (formerly Invitae), Labcorp
Classification: Uncertain significance. Last evaluated: 2024-05-06. Review status: criteria provided, single submitter. Criteria: Invitae Variant Classification Sherloc (09022015). Collection method: clinical testing. Allele origin: germline.
Comment: This sequence change replaces arginine, which is basic and polar, with cysteine, which is neutral and slightly polar, at codon 79 of the ICOSLG protein (p.Arg79Cys). This variant is present in population databases (rs369596621, gnomAD 0.01%). This variant has not been reported in the literature in individuals affected with ICOSLG-related conditions. An algorithm developed to predict the effect of missense changes on protein structure and function (PolyPhen-2) suggests that this variant is likely to be disruptive. In summary, the available evidence is currently insufficient to determine the role of this variant in disease. Therefore, it has been classified as a Variant of Uncertain Significance.

NM_015259.6(ICOSLG):c.235C>T (p.Arg79Cys)

Gene: ICOSLG (inducible T cell costimulator ligand; minus strand). Cytogenetic location: 21q22.3.
Variant type: single nucleotide variant.
Coding change: c.235C>T on transcript NM_015259.6 (MANE Select); coding-DNA position 235, C replaced by T.
Protein change: p.Arg79Cys; replaces arginine 79 with cysteine.
Molecular consequence: missense variant. On other transcripts: 5 prime UTR variant (1), intron variant (1).
Genome position (GRCh38, 1-based): chr21:44,237,038, G>A on the plus strand (C>T on the coding strand, the complement: ICOSLG is on the minus strand). VCF-style: chr21-44237038-G-A. GRCh37 (hg19) VCF-style: chr21-45656921-G-A.
Other names: c.235C>T, p.Arg79Cys (NM_001283050.2, NM_001395918.1); c.-21C>T (NM_001283052.2); c.154C>T, p.Arg52Cys (NM_001365759.2); c.55+1410C>T (NM_001283051.2); short protein forms R52C, R79C.
Identifiers: ClinVar variation 2900643 (VCV002900643.3), dbSNP rs369596621, ClinGen allele CA321498316.